The following is an entry in ClinVar:

ClinVar aggregate classification (germline): Uncertain significance (1 of 4 stars; one submission).

gnomAD v4.1: 1 of 1,609,682 alleles (0.000062%); highest among the groups gnomAD compares: Non-Finnish European, 0.000085%; no homozygotes.

Submission:

GeneDx
Classification: Uncertain significance. Last evaluated: 2026-03-21. Review status: criteria provided, single submitter. Criteria: GeneDx Variant Classification Process June 2021. Collection method: clinical testing. Allele origin: germline.
Comment: Not observed at significant frequency in large population cohorts (gnomAD); In silico analysis supports that this missense variant has a deleterious effect on protein structure/function; Has not been previously published as pathogenic or benign to our knowledge

NM_001510.4(GRID2):c.2330G>A (p.Gly777Asp)

Gene: GRID2 (glutamate ionotropic receptor delta type subunit 2; plus strand). Cytogenetic location: 4q22.2.
Variant type: single nucleotide variant.
Coding change: c.2330G>A on transcript NM_001510.4 (MANE Select); coding-DNA position 2330, G replaced by A.
Protein change: p.Gly777Asp; replaces glycine 777 with aspartic acid.
Molecular consequence: missense variant.
Genome position (GRCh38, 1-based): chr4:93,626,405, G>A. VCF-style: chr4-93626405-G-A. GRCh37 (hg19) VCF-style: chr4-94547556-G-A.
Other names: c.2045G>A, p.Gly682Asp (NM_001286838.1); c.2330G>A, p.Gly777Asp (NM_001440459.1); short protein forms G682D, G777D.
Identifiers: ClinVar variation 5016990 (VCV005016990.1).